The following is an entry in ClinVar:

ClinVar aggregate classification (germline): Conflicting classifications of pathogenicity. Review status: criteria provided, conflicting classifications (1 of 4 stars). 5 submissions from 5 submitters: Uncertain significance (4); Benign (1). Last evaluated 2025-03-13.

Conditions:
Cardiovascular phenotype. Identifiers: MedGen CN230736.
Alstrom syndrome (ALMS). Identifiers: Orphanet 64, MedGen C0268425, MONDO:0008763, OMIM 203800.

Allele frequency attached by ClinVar (database versions not stated): gnomAD 0.00001 and 0.00002; TOPMed 0.00002; ESP Exome Variant Server 0.00008; gnomAD exomes 0.00008 and 0.00010; ExAC 0.00012.
gnomAD v4.1: 113 of 1,612,786 alleles (0.007%); highest among the groups gnomAD compares: South Asian, 0.092%; 2 homozygotes.

Submissions (5):

Ambry Genetics
Classification: Benign for Cardiovascular phenotype. Last evaluated: 2025-03-13. Review status: criteria provided, single submitter. Criteria: Ambry Variant Classification Scheme 2023. Collection method: clinical testing. Allele origin: germline.

Labcorp Genetics (formerly Invitae), Labcorp
Classification: Uncertain significance for Alstrom syndrome. Last evaluated: 2024-02-24. Review status: criteria provided, single submitter. Criteria: Invitae Variant Classification Sherloc (09022015). Collection method: clinical testing. Allele origin: germline.
Comment: This sequence change replaces threonine with serine at codon 377 of the ALMS1 protein (p.Thr377Ser). The threonine residue is weakly conserved and there is a small physicochemical difference between threonine and serine. This variant is present in population databases (rs376750978, gnomAD 0.07%), including at least one homozygous and/or hemizygous individual. This variant has not been reported in the literature in individuals affected with ALMS1-related conditions. ClinVar contains an entry for this variant (Variation ID: 459847). Experimental studies and prediction algorithms are not available or were not evaluated, and the functional significance of this variant is currently unknown. In summary, the available evidence is currently insufficient to determine the role of this variant in disease. Therefore, it has been classified as a Variant of Uncertain Significance.

GeneDx
Classification: Uncertain significance. Last evaluated: 2022-05-11. Review status: criteria provided, single submitter. Criteria: GeneDx Variant Classification Process June 2021. Collection method: clinical testing. Allele origin: germline. Affected: yes.
Comment: In silico analysis supports that this missense variant does not alter protein structure/function; Also known as p.(T376S) using alternate nomenclature; This variant is associated with the following publications: (PMID: Gosadi2021, 33981653, 31889847)

Fulgent Genetics
Classification: Uncertain significance for Alstrom syndrome. Last evaluated: 2022-04-28. Review status: criteria provided, single submitter. Criteria: ACMG Guidelines, 2015. Collection method: clinical testing. Allele origin: unknown.

Genetic Services Laboratory, University of Chicago
Classification: Uncertain significance. Last evaluated: 2020-02-26. Review status: criteria provided, single submitter. Criteria: ACMG Guidelines, 2015. Collection method: clinical testing. Allele origin: germline. Affected: no.
Comment: DNA sequence analysis of the ALMS1 gene demonstrated a sequence change, c.1129A>T, in exon 5 that results in an amino acid change, p.Thr377Ser. This sequence change does not appear to have been previously described in patients with ALMS1-related disorders and has been described in the gnomAD database with a frequency of 0.07% in the South Asian sub-population (dbSNP rs376750978). The p.Thr377Ser change affects a poorly conserved amino acid residue located in a domain of the ALMS1 protein that is not known to be functional. The p.Thr377Ser substitution appears to be benign using several in-silico pathogenicity prediction tools (SIFT, PolyPhen2, Align GVGD, REVEL). Due to these contrasting evidences and the lack of functional studies, the clinical significance of the p.Thr377Ser change remains unknown at this time.

NM_001378454.1(ALMS1):c.1126A>T (p.Thr376Ser)

Gene: ALMS1 (ALMS1 centrosome and basal body associated protein; plus strand). Cytogenetic location: 2p13.1.
Variant type: single nucleotide variant.
Coding change: c.1126A>T on transcript NM_001378454.1 (MANE Select); coding-DNA position 1126, A replaced by T.
Protein change: p.Thr376Ser; replaces threonine 376 with serine.
Molecular consequence: missense variant.
Genome position (GRCh38, 1-based): chr2:73,424,791, A>T. VCF-style: chr2-73424791-A-T. GRCh37 (hg19) VCF-style: chr2-73651919-A-T.
Other names: c.1129A>T, p.Thr377Ser (NM_015120.4); short protein forms T377S, T376S.
Identifiers: ClinVar variation 459847 (VCV000459847.12), dbSNP rs376750978, ClinGen allele CA1713053.